The following is an entry in ClinVar:

NM_152268.4(PARS2):c.62T>G (p.Leu21Arg)

Gene: PARS2 (prolyl-tRNA synthetase 2, mitochondrial; minus strand). Cytogenetic location: 1p32.3.
Variant type: single nucleotide variant.
Coding change: c.62T>G on transcript NM_152268.4 (MANE Select); coding-DNA position 62, T replaced by G.
Protein change: p.Leu21Arg; replaces leucine 21 with arginine.
Molecular consequence: missense variant.
Genome position (GRCh38, 1-based): chr1:54,759,100, A>C on the plus strand (T>G on the coding strand, the complement: PARS2 is on the minus strand). VCF-style: chr1-54759100-A-C. GRCh37 (hg19) VCF-style: chr1-55224773-A-C.
Other names: p.Leu21Arg; short protein forms L21R.
Identifiers: ClinVar variation 381204 (VCV000381204.14), dbSNP rs116816976, ClinGen allele CA869559.

ClinVar aggregate classification (germline): Benign. Review status: criteria provided, multiple submitters, no conflicts (2 of 4 stars). 5 submissions from 5 submitters: Benign (4). 1 of the submissions does not count toward it. Last evaluated 2026-01-31.

Conditions:
PARS2-related disorder.

Allele frequency attached by ClinVar (database versions not stated): 1000 Genomes Project 30x 0.00828; 1000 Genomes Project 0.00879; TOPMed 0.01225; ESP Exome Variant Server 0.01484.
gnomAD v4.1: 29,871 of 1,612,160 alleles (1.9%); highest among the groups gnomAD compares: Non-Finnish European, 1.9%; 442 homozygotes.

Submissions (5):

Labcorp Genetics (formerly Invitae), Labcorp
Classification: Benign. Last evaluated: 2026-01-31. Review status: criteria provided, single submitter. Criteria: Invitae Variant Classification Sherloc (09022015). Collection method: clinical testing. Allele origin: germline.

Mayo Clinic Laboratories, Mayo Clinic
Classification: Benign. Last evaluated: 2022-10-27. Review status: criteria provided, single submitter. Criteria: ACMG Guidelines, 2015. Collection method: clinical testing. Allele origin: germline. Observed: 4 variant alleles.

GeneDx
Classification: Benign. Last evaluated: 2016-01-07. Review status: criteria provided, single submitter. Criteria: GeneDx Variant Classification (06012015). Collection method: clinical testing. Allele origin: germline. Affected: yes.
Comment: This variant is considered likely benign or benign based on one or more of the following criteria: it is a conservative change, it occurs at a poorly conserved position in the protein, it is predicted to be benign by multiple in silico algorithms, and/or has population frequency not consistent with disease.

Breakthrough Genomics
Classification: Benign. Review status: criteria provided, single submitter. Criteria: ACMG Guidelines, 2015. Collection method: not provided. Allele origin: germline. Inheritance: Autosomal recessive inheritance. Affected: yes.

PreventionGenetics, part of Exact Sciences
Classification: Benign for PARS2-related condition. Last evaluated: 2019-08-06. Review status: no assertion criteria provided. Collection method: clinical testing. Allele origin: germline. Not counted in ClinVar's aggregate classification.
Comment: This variant is classified as benign based on ACMG/AMP sequence variant interpretation guidelines (Richards et al. 2015 PMID: 25741868, with internal and published modifications).